The following is an entry in ClinVar:

ClinVar aggregate classification (germline): Uncertain significance. Review status: criteria provided, multiple submitters, no conflicts (2 of 4 stars). 5 submissions from 5 submitters: Uncertain significance (5). Last evaluated 2025-11-20.

Conditions:
PALB2-related disorder. Also called: PALB2-related condition; PALB2-related disorders.
Hereditary cancer-predisposing syndrome. Also called: Hereditary Cancer Syndrome; Tumor predisposition; Hereditary neoplastic syndrome; Neoplastic Syndromes, Hereditary. Identifiers: Orphanet 140162, MedGen C0027672, MeSH D009386, MONDO:0015356.
Familial cancer of breast. Also called: Hereditary breast cancer; hereditary breast carcinoma; BREAST CANCER, FAMILIAL. Identifiers: Orphanet 227535, MedGen C0346153, MONDO:0016419, OMIM 114480. Disease mechanism: loss of function.

Allele frequency attached by ClinVar (database versions not stated): TOPMed below 0.00001.
gnomAD v4.1: 1 of 1,614,180 alleles (0.000062%); highest among the groups gnomAD compares: Non-Finnish European, 0.000085%; no homozygotes.

Submissions (5):

Ambry Genetics
Classification: Uncertain significance for Hereditary cancer-predisposing syndrome. Last evaluated: 2025-11-20. Review status: criteria provided, single submitter. Criteria: Ambry Variant Classification Scheme 2023. Collection method: clinical testing. Allele origin: germline.
Comment: The p.S256G variant (also known as c.766A>G), located in coding exon 4 of the PALB2 gene, results from an A to G substitution at nucleotide position 766. The serine at codon 256 is replaced by glycine, an amino acid with similar properties. This amino acid position is conserved. In addition, this alteration is predicted to be tolerated by in silico analysis. Since supporting evidence is limited at this time, the clinical significance of this alteration remains unclear.

Color Diagnostics, LLC DBA Color Health
Classification: Uncertain significance for Hereditary cancer-predisposing syndrome. Last evaluated: 2025-03-07. Review status: criteria provided, single submitter. Criteria: ACMG Guidelines, 2015. Collection method: clinical testing. Allele origin: germline.
Comment: This missense variant replaces serine with glycine at codon 256 of the PALB2 protein. Computational prediction suggests that this variant may not impact protein structure and function. To our knowledge, functional studies have not been reported for this variant. This variant has been detected in a breast cancer case-control meta-analysis in 0/60466 cases and 1/53461 unaffected individuals (PMID: 33471991; Leiden Open Variation Database DB-ID PALB2_011125). This variant has not been identified in the general population by the Genome Aggregation Database (gnomAD). The available evidence is insufficient to determine the role of this variant in disease conclusively. Therefore, this variant is classified as a Variant of Uncertain Significance.

Center for Genomic Medicine, Rigshospitalet, Copenhagen University Hospital
Classification: Uncertain significance. Last evaluated: 2025-03-04. Review status: criteria provided, single submitter. Criteria: ACMG Guidelines, 2015. Collection method: clinical testing. Allele origin: germline.

Labcorp Genetics (formerly Invitae), Labcorp
Classification: Uncertain significance for Familial cancer of breast. Last evaluated: 2023-11-17. Review status: criteria provided, single submitter. Criteria: Invitae Variant Classification Sherloc (09022015). Collection method: clinical testing. Allele origin: germline.
Comment: This sequence change replaces serine, which is neutral and polar, with glycine, which is neutral and non-polar, at codon 256 of the PALB2 protein (p.Ser256Gly). This variant is not present in population databases (gnomAD no frequency). This variant has not been reported in the literature in individuals affected with PALB2-related conditions. ClinVar contains an entry for this variant (Variation ID: 1044990). An algorithm developed to predict the effect of missense changes on protein structure and function (PolyPhen-2) suggests that this variant is likely to be tolerated. In summary, the available evidence is currently insufficient to determine the role of this variant in disease. Therefore, it has been classified as a Variant of Uncertain Significance.

PreventionGenetics, part of Exact Sciences
Classification: Uncertain significance for PALB2-related condition. Last evaluated: 2023-02-23. Review status: criteria provided, single submitter. Criteria: ACMG Guidelines, 2015. Collection method: clinical testing. Allele origin: germline.
Comment: The PALB2 c.766A>G variant is predicted to result in the amino acid substitution p.Ser256Gly. To our knowledge, this variant has not been reported in the literature or in a large population database, indicating this variant is rare. It is interpreted as uncertain significance. At this time, the clinical significance of this variant is uncertain due to the absence of conclusive functional and genetic evidence.

Literature cited by the submitters: PubMed 33471991 (cited by Color Diagnostics, LLC DBA Color Health).

NM_024675.4(PALB2):c.766A>G (p.Ser256Gly)

Gene: PALB2 (partner and localizer of BRCA2; minus strand). Cytogenetic location: 16p12.2.
Variant type: single nucleotide variant.
Coding change: c.766A>G on transcript NM_024675.4 (MANE Select); coding-DNA position 766, A replaced by G.
Protein change: p.Ser256Gly; replaces serine 256 with glycine.
Molecular consequence: missense variant.
Genome position (GRCh38, 1-based): chr16:23,635,780, T>C on the plus strand (A>G on the coding strand, the complement: PALB2 is on the minus strand). VCF-style: chr16-23635780-T-C. GRCh37 (hg19) VCF-style: chr16-23647101-T-C.
Other names: short protein forms S256G.
Identifiers: ClinVar variation 1044990 (VCV001044990.22), dbSNP rs1967022496, ClinGen allele CA395136134.